The following is an entry in ClinVar:

ClinVar aggregate classification (germline): Uncertain significance (1 of 4 stars; one submission).

Submission:

Ambry Genetics
Classification: Uncertain significance. Last evaluated: 2021-12-06. Review status: criteria provided, single submitter. Criteria: Ambry Variant Classification Scheme 2023. Collection method: clinical testing. Allele origin: germline.
Comment: The p.S698I variant (also known as c.2093G>T), located in coding exon 13 of the NPAT gene, results from a G to T substitution at nucleotide position 2093. The serine at codon 698 is replaced by isoleucine, an amino acid with dissimilar properties. This amino acid position is conserved. In addition, this alteration is predicted to be tolerated by in silico analysis. Since supporting evidence is limited at this time, the clinical significance of this alteration remains unclear.

NM_002519.3(NPAT):c.2093G>T (p.Ser698Ile)

Gene: NPAT (nuclear protein, coactivator of histone transcription; minus strand). Cytogenetic location: 11q22.3.
Variant type: single nucleotide variant.
Coding change: c.2093G>T on transcript NM_002519.3 (MANE Select); coding-DNA position 2093, G replaced by T.
Protein change: p.Ser698Ile; replaces serine 698 with isoleucine.
Molecular consequence: missense variant.
Genome position (GRCh38, 1-based): chr11:108,172,891, C>A on the plus strand (G>T on the coding strand, the complement: NPAT is on the minus strand). VCF-style: chr11-108172891-C-A. GRCh37 (hg19) VCF-style: chr11-108043618-C-A.
Other names: c.2093G>T, p.Ser698Ile (NM_001321307.1); short protein forms S698I.
Identifiers: ClinVar variation 1785762 (VCV001785762.2), dbSNP rs2496718692, ClinGen allele CA382513703.